The following is an entry in ClinVar:

NM_000260.4(MYO7A):c.4068C>G (p.Ser1356Arg)

Gene: MYO7A (myosin VIIA; plus strand). Cytogenetic location: 11q13.5.
Variant type: single nucleotide variant.
Coding change: c.4068C>G on transcript NM_000260.4 (MANE Select); coding-DNA position 4068, C replaced by G.
Protein change: p.Ser1356Arg; replaces serine 1356 with arginine.
Molecular consequence: missense variant.
Genome position (GRCh38, 1-based): chr11:77,192,194, C>G. VCF-style: chr11-77192194-C-G. GRCh37 (hg19) VCF-style: chr11-76903239-C-G.
Other names: c.4068C>G, p.Ser1356Arg (NM_001127180.2); c.4035C>G, p.Ser1345Arg (NM_001369365.1); short protein forms S1345R, S1356R.
Identifiers: ClinVar variation 1962132 (VCV001962132.2), dbSNP rs932299310, ClinGen allele CA224846273.

ClinVar aggregate classification (germline): Uncertain significance (1 of 4 stars; one submission).

Allele frequency attached by ClinVar (database versions not stated): gnomAD 0.00002; TOPMed 0.00002.
gnomAD v4.1: 3 of 1,613,946 alleles (0.00019%); highest among the groups gnomAD compares: African/African-American, 0.004%; no homozygotes.

Submission:

Labcorp Genetics (formerly Invitae), Labcorp
Classification: Uncertain significance. Last evaluated: 2021-09-01. Review status: criteria provided, single submitter. Criteria: Invitae Variant Classification Sherloc (09022015). Collection method: clinical testing. Allele origin: germline.
Comment: This sequence change replaces serine with arginine at codon 1356 of the MYO7A protein (p.Ser1356Arg). The serine residue is weakly conserved and there is a moderate physicochemical difference between serine and arginine. This variant is not present in population databases (ExAC no frequency). This variant has not been reported in the literature in individuals affected with MYO7A-related conditions. Advanced modeling of protein sequence and biophysical properties (such as structural, functional, and spatial information, amino acid conservation, physicochemical variation, residue mobility, and thermodynamic stability) performed at Invitae indicates that this missense variant is not expected to disrupt MYO7A protein function. In summary, the available evidence is currently insufficient to determine the role of this variant in disease. Therefore, it has been classified as a Variant of Uncertain Significance.